The following is an entry in ClinVar:

ClinVar aggregate classification (germline): Pathogenic/Likely pathogenic. Review status: criteria provided, multiple submitters, no conflicts (2 of 4 stars). 2 submissions from 2 submitters: Pathogenic (1); Likely pathogenic (1). Last evaluated 2025-07-24.

Conditions:
Methylcobalamin deficiency type cblE (HMAE). Also called: HOMOCYSTINURIA-MEGALOBLASTIC ANEMIA, cblE TYPE; VITAMIN B12-RESPONSIVE HOMOCYSTINURIA, cblE TYPE; HOMOCYSTINURIA-MEGALOBLASTIC ANEMIA, cblE COMPLEMENTATION TYPE. Identifiers: Orphanet 2169, Orphanet 622, MedGen C1856057, MONDO:0009354, OMIM 236270.

Submissions (2):

First Genomix Gene Laboratory, Genetic Diagnostics Department
Classification: Likely pathogenic for Methylcobalamin deficiency type cblE. Last evaluated: 2025-07-24. Review status: criteria provided, single submitter. Criteria: ACMG Guidelines, 2015. Collection method: clinical testing. Allele origin: germline. Inheritance: Autosomal recessive inheritance. Affected: no. Observed: 1 variant allele.

Labcorp Genetics (formerly Invitae), Labcorp
Classification: Pathogenic for Methylcobalamin deficiency type cblE. Last evaluated: 2019-07-28. Review status: criteria provided, single submitter. Criteria: Invitae Variant Classification Sherloc (09022015). Collection method: clinical testing. Allele origin: germline.
Comment: This sequence change creates a premature translational stop signal (p.Leu245Tyrfs*23) in the MTRR gene. It is expected to result in an absent or disrupted protein product. This variant is not present in population databases (ExAC no frequency). This variant has not been reported in the literature in individuals with MTRR-related conditions. Loss-of-function variants in MTRR are known to be pathogenic (PMID: 15714522). For these reasons, this variant has been classified as Pathogenic.

Literature cited by the submitters: PubMed 15714522 (cited by Labcorp Genetics (formerly Invitae), Labcorp).

NM_002454.3(MTRR):c.734del (p.Leu245fs)

Gene: MTRR (5-methyltetrahydrofolate-homocysteine methyltransferase reductase; plus strand). Cytogenetic location: 5p15.31.
Variant type: Deletion.
Coding change: c.734del on transcript NM_002454.3 (MANE Select); coding-DNA position 734, one base deleted (T; older notation c.734delT).
Protein change: p.Leu245fs; shifts the reading frame from leucine 245.
Molecular consequence: frameshift variant. On other transcripts: non-coding transcript variant (14).
Genome position (GRCh38, 1-based): chr5:7,878,276, T deleted; the last of 3 consecutive T bases (chr5:7,878,274-7,878,276); deleting any one gives the same sequence. VCF-style (leftmost placement, unchanged base first): chr5-7878273-GT-G. GRCh37 (hg19) VCF-style: chr5-7878386-GT-G.
Other names: c.734del, p.Leu245fs (NM_001364440.2, NM_001364441.2, NM_001364442.2 and 1 more transcripts); c.734delT (NM_002454.3); short protein forms L245fs.
Identifiers: ClinVar variation 953969 (VCV000953969.9), dbSNP rs1734927527, ClinGen allele CA1139658737.